The following is an entry in ClinVar:

NM_000111.3(SLC26A3):c.2017G>T (p.Glu673Ter)

Gene: SLC26A3 (solute carrier family 26 member 3; minus strand). Cytogenetic location: 7q22.3.
Variant type: single nucleotide variant.
Coding change: c.2017G>T on transcript NM_000111.3 (MANE Select); coding-DNA position 2017, G replaced by T.
Protein change: p.Glu673Ter; replaces glutamic acid 673 with a stop codon.
Molecular consequence: nonsense.
Genome position (GRCh38, 1-based): chr7:107,772,099, C>A on the plus strand (G>T on the coding strand, the complement: SLC26A3 is on the minus strand). VCF-style: chr7-107772099-C-A. GRCh37 (hg19) VCF-style: chr7-107412544-C-A.
Other names: short protein forms E673*.
Identifiers: ClinVar variation 2758913 (VCV002758913.3), dbSNP rs2535451617, ClinGen allele CA368849929.

ClinVar aggregate classification (germline): Pathogenic (1 of 4 stars; one submission).

Submission:

Labcorp Genetics (formerly Invitae), Labcorp
Classification: Pathogenic. Last evaluated: 2023-06-03. Review status: criteria provided, single submitter. Criteria: Invitae Variant Classification Sherloc (09022015). Collection method: clinical testing. Allele origin: germline.
Comment: This sequence change creates a premature translational stop signal (p.Glu673*) in the SLC26A3 gene. It is expected to result in an absent or disrupted protein product. Loss-of-function variants in SLC26A3 are known to be pathogenic (PMID: 9718329, 21394828). This variant is not present in population databases (gnomAD no frequency). This variant has not been reported in the literature in individuals affected with SLC26A3-related conditions. For these reasons, this variant has been classified as Pathogenic.

Literature cited by the submitters: PubMed 9718329; PubMed 21394828.